The following is an entry in ClinVar:

ClinVar aggregate classification (germline): Pathogenic/Likely pathogenic. Review status: criteria provided, multiple submitters, no conflicts (2 of 4 stars). 2 submissions from 2 submitters: Pathogenic (1); Likely pathogenic (1). Last evaluated 2026-02-06.

Conditions:
Fanconi anemia (FA). Also called: Fanconi's anemia. Identifiers: Orphanet 84, MedGen C0015625, MeSH D005199, MONDO:0019391.

Submissions (2):

Dasa
Classification: Likely pathogenic. Last evaluated: 2026-02-06. Review status: criteria provided, single submitter. Criteria: DASA Assertion Criteria. Collection method: clinical testing. Allele origin: germline.
Comment: NM_020937.4(FANCM):c.5766_5769del (p.Thr1923Profs*2) is a frameshift variant in FANCM predicted to alter the reading frame and introduce a premature termination codon and is predicted to result in an absent or altered protein product. Loss of function is an established disease mechanism for FANCM-associated disorders. Also, this variant is rare in population databases. Based on the currently available evidence, this variant is classified as likely pathogenic.

Labcorp Genetics (formerly Invitae), Labcorp
Classification: Pathogenic for Fanconi anemia. Last evaluated: 2025-07-23. Review status: criteria provided, single submitter. Criteria: Invitae Variant Classification Sherloc (09022015). Collection method: clinical testing. Allele origin: germline.
Comment: This sequence change creates a premature translational stop signal (p.Thr1923Profs*2) in the FANCM gene. It is expected to result in an absent or disrupted protein product. Loss-of-function variants in FANCM are known to be pathogenic (PMID: 29895858, 30075111). This variant is not present in population databases (gnomAD no frequency). This premature translational stop signal has been observed in individual(s) with breast cancer (PMID: 31991861). ClinVar contains an entry for this variant (Variation ID: 2904762). Algorithms developed to predict the effect of sequence changes on RNA splicing suggest that this variant may disrupt the consensus splice site. For these reasons, this variant has been classified as Pathogenic.

Literature cited by the submitters: PubMed 29895858 (cited by Labcorp Genetics (formerly Invitae), Labcorp); PubMed 30075111 (cited by Labcorp Genetics (formerly Invitae), Labcorp); PubMed 31991861 (cited by Labcorp Genetics (formerly Invitae), Labcorp).

NM_020937.4(FANCM):c.5766_5769del (p.Thr1923fs)

Gene: FANCM (FA complementation group M; plus strand). Cytogenetic location: 14q21.2.
Variant type: Deletion.
Coding change: c.5766_5769del on transcript NM_020937.4 (MANE Select); coding-DNA positions 5766 to 5769, 4 bases deleted (GACT; older notation c.5766_5769delGACT).
Protein change: p.Thr1923fs; shifts the reading frame from threonine 1923.
Molecular consequence: frameshift variant.
Genome position (GRCh38, 1-based): chr14:45,198,693-45,198,696, GACT deleted; deleting any 4 consecutive bases within chr14:45,198,691-45,198,696 gives the same sequence; the c. name uses the placement nearest the transcript's 3' end. VCF-style (leftmost placement, unchanged base first): chr14-45198690-GCTGA-G. GRCh37 (hg19) VCF-style: chr14-45667893-GCTGA-G.
Other names: c.5688_5691del, p.Thr1897fs (NM_001308133.2); short protein forms T1923fs, T1897fs.
Identifiers: ClinVar variation 2904762 (VCV002904762.5), dbSNP rs2503279758, ClinGen allele CA2624702106.